The following is an entry in ClinVar:

NM_001384910.1(GUCA1A):c.119G>A (p.Arg40His)

Genes: GUCA1A (guanylate cyclase activator 1A; plus strand), GUCA1ANB-GUCA1A (GUCA1ANB-GUCA1A readthrough; plus strand). Cytogenetic location: 6p21.1.
Variant type: single nucleotide variant.
Coding change: c.119G>A on transcript NM_001384910.1 (MANE Select); coding-DNA position 119, G replaced by A.
Protein change: p.Arg40His; replaces arginine 40 with histidine.
Molecular consequence: missense variant.
Genome position (GRCh38, 1-based): chr6:42,173,732, G>A. VCF-style: chr6-42173732-G-A. GRCh37 (hg19) VCF-style: chr6-42141470-G-A.
Other names: c.119G>A, p.Arg40His (NM_000409.5, NM_001319061.2, NM_001319062.2); c.119G>A (NM_000409.3); short protein forms R40H.
Identifiers: ClinVar variation 956063 (VCV000956063.11), dbSNP rs186171388, ClinGen allele CA3805267.

ClinVar aggregate classification (germline): Uncertain significance. Review status: criteria provided, multiple submitters, no conflicts (2 of 4 stars). 2 submissions from 2 submitters: Uncertain significance (2). Last evaluated 2025-01-08.

Conditions:
Inborn genetic diseases. Identifiers: MedGen C0950123, MeSH D030342.

Allele frequency attached by ClinVar (database versions not stated): TOPMed 0.00001; ESP Exome Variant Server 0.00008; 1000 Genomes Project 0.00040; 1000 Genomes Project 30x 0.00062.
gnomAD v4.1: 18 of 1,614,098 alleles (0.0011%); highest among the groups gnomAD compares: Admixed American, 0.013%; no homozygotes.

Submissions (2):

Labcorp Genetics (formerly Invitae), Labcorp
Classification: Uncertain significance. Last evaluated: 2025-01-08. Review status: criteria provided, single submitter. Criteria: Invitae Variant Classification Sherloc (09022015). Collection method: clinical testing. Allele origin: germline.
Comment: This sequence change replaces arginine, which is basic and polar, with histidine, which is basic and polar, at codon 40 of the GUCA1A protein (p.Arg40His). This variant is present in population databases (rs186171388, gnomAD 0.009%). This variant has not been reported in the literature in individuals affected with GUCA1A-related conditions. ClinVar contains an entry for this variant (Variation ID: 956063). An algorithm developed to predict the effect of missense changes on protein structure and function (PolyPhen-2) suggests that this variant is likely to be disruptive. In summary, the available evidence is currently insufficient to determine the role of this variant in disease. Therefore, it has been classified as a Variant of Uncertain Significance.

Ambry Genetics
Classification: Uncertain significance for Inborn genetic diseases. Last evaluated: 2024-12-06. Review status: criteria provided, single submitter. Criteria: Ambry Variant Classification Scheme 2023. Collection method: clinical testing. Allele origin: germline.